The following is an entry in ClinVar:

NM_016026.4(RDH11):c.431T>C (p.Met144Thr)

Genes: GPHN (gephyrin; plus strand), RDH11 (retinol dehydrogenase 11; minus strand). Cytogenetic location: 14q24.1.
Variant type: single nucleotide variant.
Coding change: c.431T>C on transcript NM_016026.4 (MANE Select); coding-DNA position 431, T replaced by C.
Protein change: p.Met144Thr; replaces methionine 144 with threonine.
Molecular consequence: missense variant.
Genome position (GRCh38, 1-based): chr14:67,691,163, A>G on the plus strand (T>C on the coding strand, the complement: RDH11 is on the minus strand). VCF-style: chr14-67691163-A-G. GRCh37 (hg19) VCF-style: chr14-68157880-A-G.
Other names: c.431T>C, p.Met144Thr (NM_001252650.2); short protein forms M144T.
Identifiers: ClinVar variation 1716612 (VCV001716612.5), dbSNP rs762161673, ClinGen allele CA390135498.

ClinVar aggregate classification (germline): Uncertain significance (1 of 4 stars; one submission).

Submission:

Labcorp Genetics (formerly Invitae), Labcorp
Classification: Uncertain significance. Last evaluated: 2024-11-11. Review status: criteria provided, single submitter. Criteria: Invitae Variant Classification Sherloc (09022015). Collection method: clinical testing. Allele origin: germline.
Comment: This sequence change replaces methionine, which is neutral and non-polar, with threonine, which is neutral and polar, at codon 144 of the RDH11 protein (p.Met144Thr). This variant is not present in population databases (gnomAD no frequency). This variant has not been reported in the literature in individuals affected with RDH11-related conditions. ClinVar contains an entry for this variant (Variation ID: 1716612). An algorithm developed to predict the effect of missense changes on protein structure and function (PolyPhen-2) suggests that this variant is likely to be tolerated. In summary, the available evidence is currently insufficient to determine the role of this variant in disease. Therefore, it has been classified as a Variant of Uncertain Significance.